The following is an entry in ClinVar:

ClinVar aggregate classification (germline): Uncertain significance (1 of 4 stars; one submission).

Allele frequency attached by ClinVar (database versions not stated): gnomAD exomes below 0.00001.
gnomAD v4.1: 1 of 1,614,176 alleles (0.000062%); highest among the groups gnomAD compares: Non-Finnish European, 0.000085%; no homozygotes.

Submission:

Ambry Genetics
Classification: Uncertain significance. Last evaluated: 2021-08-29. Review status: criteria provided, single submitter. Criteria: Ambry Variant Classification Scheme 2023. Collection method: clinical testing. Allele origin: germline.
Comment: The p.T1606I variant (also known as c.4817C>T), located in coding exon 4 of the ALPK2 gene, results from a C to T substitution at nucleotide position 4817. The threonine at codon 1606 is replaced by isoleucine, an amino acid with similar properties. This amino acid position is conserved. In addition, this alteration is predicted to be tolerated by in silico analysis. Since supporting evidence is limited at this time, the clinical significance of this alteration remains unclear.

NM_052947.4(ALPK2):c.4817C>T (p.Thr1606Ile)

Genes: ALPK2 (alpha kinase 2; minus strand), LOC126862764 (BRD4-independent group 4 enhancer GRCh37_chr18:56202574-56203773; plus strand). Cytogenetic location: 18q21.31.
Variant type: single nucleotide variant.
Coding change: c.4817C>T on transcript NM_052947.4 (MANE Select); coding-DNA position 4817, C replaced by T.
Protein change: p.Thr1606Ile; replaces threonine 1606 with isoleucine.
Molecular consequence: missense variant.
Genome position (GRCh38, 1-based): chr18:58,535,370, G>A on the plus strand (C>T on the coding strand, the complement: ALPK2 is on the minus strand). VCF-style: chr18-58535370-G-A. GRCh37 (hg19) VCF-style: chr18-56202602-G-A.
Other names: short protein forms T1606I.
Identifiers: ClinVar variation 1743320 (VCV001743320.2), dbSNP rs2518874006, ClinGen allele CA402559674.